The following is an entry in ClinVar:

NM_001060.6(TBXA2R):c.761C>A (p.Ala254Asp)

Gene: TBXA2R (thromboxane A2 receptor; minus strand). Cytogenetic location: 19p13.3.
Variant type: single nucleotide variant.
Coding change: c.761C>A on transcript NM_001060.6 (MANE Select); coding-DNA position 761, C replaced by A.
Protein change: p.Ala254Asp; replaces alanine 254 with aspartic acid.
Molecular consequence: missense variant.
Genome position (GRCh38, 1-based): chr19:3,599,874, G>T on the plus strand (C>A on the coding strand, the complement: TBXA2R is on the minus strand). VCF-style: chr19-3599874-G-T. GRCh37 (hg19) VCF-style: chr19-3599872-G-T.
Other names: c.761C>A, p.Ala254Asp (NM_201636.3); short protein forms A254D.
Identifiers: ClinVar variation 4745526 (VCV004745526.1).

ClinVar aggregate classification (germline): Uncertain significance (1 of 4 stars; one submission).

Submission:

Labcorp Genetics (formerly Invitae), Labcorp
Classification: Uncertain significance. Last evaluated: 2025-07-27. Review status: criteria provided, single submitter. Criteria: Invitae Variant Classification Sherloc (09022015). Collection method: clinical testing. Allele origin: germline.
Comment: This sequence change replaces alanine, which is neutral and non-polar, with aspartic acid, which is acidic and polar, at codon 254 of the TBXA2R protein (p.Ala254Asp). This variant is not present in population databases (gnomAD no frequency). This variant has not been reported in the literature in individuals affected with TBXA2R-related conditions. Invitae Evidence Modeling of protein sequence and biophysical properties (such as structural, functional, and spatial information, amino acid conservation, physicochemical variation, residue mobility, and thermodynamic stability) indicates that this missense variant is expected to disrupt TBXA2R protein function with a positive predictive value of 80%. In summary, the available evidence is currently insufficient to determine the role of this variant in disease. Therefore, it has been classified as a Variant of Uncertain Significance.